The following is an entry in ClinVar:

ClinVar aggregate classification (germline): Likely pathogenic. Review status: criteria provided, multiple submitters, no conflicts (2 of 4 stars). 2 submissions from 2 submitters: Likely pathogenic (2). Last evaluated 2026-03-03.

Conditions:
Medulloblastoma (MDB). Also called: MEDULLOBLASTOMA PREDISPOSITION SYNDROME; Medulloblastoma, somatic. Identifiers: Orphanet 616, MedGen C0025149, MeSH D008527, MONDO:0007959, OMIM 155255, HP:0002885.
Familial dysautonomia. Also called: HSAN III; FD. Identifiers: Orphanet 1764, MedGen C0013364, MONDO:0009131, OMIM 223900. Disease mechanism: loss of function.

Submissions (2):

Zero Childhood Cancer Program, Children's Cancer Institute
Classification: Likely pathogenic for Medulloblastoma. Last evaluated: 2026-03-03. Review status: criteria provided, single submitter. Criteria: Zero Childhood Cancer Program Assertion Criteria November2025. Collection method: research. Allele origin: germline. Inheritance: Autosomal dominant inheritance. Affected: no.
Comment: The c.396_430delinsTTAGAGA (p.Leu133Ter) variant in ELP1 is a nonsense variant predicted to cause a premature stop codon in exon 5 of 37 leading to nonsense mediated decay in a gene in which loss-of-function is an established disease mechanism (PVS1; PMID: 18303054, 32296180). This variant is absent in gnomAD v4 (PM2_Supporting). For these reasons, this variant has been classified as likely pathogenic.

Natera, Inc.
Classification: Likely pathogenic for Familial dysautonomia. Last evaluated: 2025-10-11. Review status: criteria provided, single submitter. Criteria: Natera Variant Classification Schema (03/2026). Collection method: clinical testing. Allele origin: germline.
Comment: The c.396_430delinsTTAGAGA variant in ELP1 is a frameshift variant predicted to shift the reading frame and introduce a stop codon. This variant is expected to result in nonsense mediated decay, truncation, or a dysfunctional protein product. This variant is rare in the general population with a frequency below the threshold expected for the associated phenotype(s). Given the available evidence, this variant is classified as Likely Pathogenic.

Literature cited by the submitters: PubMed 18303054 (cited by Zero Childhood Cancer Program, Children's Cancer Institute); PubMed 32296180 (cited by Zero Childhood Cancer Program, Children's Cancer Institute).

NM_003640.5(ELP1):c.396_430delinsTTAGAGA (p.Leu133_Leu144delinsTer)

Gene: ELP1 (elongator acetyltransferase complex subunit 1; minus strand). Cytogenetic location: 9q31.3.
Variant type: Indel.
Coding change: c.396_430delinsTTAGAGA on transcript NM_003640.5 (MANE Select); coding-DNA positions 396 to 430, the reference bases replaced by TTAGAGA.
Protein change: p.Leu133_Leu144delinsTer.
Molecular consequence: nonsense. On other transcripts: 5 prime UTR variant (1).
Genome position (GRCh38, 1-based): chr9:108,926,559-108,926,593, 35 bases replaced. GRCh37 (hg19): chr9:111,688,839-111,688,873.
Other names: c.396_430delinsTTAGAGA (NM_003640.4); c.54_88delinsTTAGAGA, p.Leu19_Leu30delinsTer (NM_001318360.2); c.-464_-430delinsTTAGAGA (NM_001330749.2).
Identifiers: ClinVar variation 4813679 (VCV004813679.2).